The following is an entry in ClinVar:

ClinVar aggregate classification (germline): Pathogenic (1 of 4 stars; one submission).

Conditions:
Familial cancer of breast. Also called: BREAST CANCER, FAMILIAL; Hereditary breast cancer; hereditary breast carcinoma. Identifiers: Orphanet 227535, MedGen C0346153, MONDO:0016419, OMIM 114480. Disease mechanism: loss of function.

Submission:

Myriad Genetics, Inc.
Classification: Pathogenic for Familial cancer of breast. Last evaluated: 2024-01-17. Review status: criteria provided, single submitter. Criteria: Myriad Autosomal Dominant, Autosomal Recessive and X-Linked Classification Criteria (2023). Collection method: clinical testing. Allele origin: unknown.
Comment: This variant is considered pathogenic. This variant creates a frameshift predicted to result in premature protein truncation.

NM_000051.4(ATM):c.2379del (p.Ser794fs)

Gene: ATM (ATM serine/threonine kinase; plus strand). Cytogenetic location: 11q22.3.
Variant type: Deletion.
Coding change: c.2379del on transcript NM_000051.4 (MANE Select); coding-DNA position 2379, one base deleted (G; older notation c.2379delG).
Protein change: p.Ser794fs; shifts the reading frame from serine 794.
Molecular consequence: frameshift variant.
Genome position (GRCh38, 1-based): chr11:108,258,988, G deleted. VCF-style (leftmost placement, unchanged base first): chr11-108258987-AG-A. GRCh37 (hg19) VCF-style: chr11-108129714-AG-A.
Other names: c.2379del, p.Ser794fs (NM_001351834.2); short protein forms S794fs.
Identifiers: ClinVar variation 3148586 (VCV003148586.1), dbSNP rs2497416677, ClinGen allele CA2825001803.
Genomic context (GRCh38, chr11:108,258,987, plus strand): 5'-GCCAAGAATAATTGTTTTTATTTCTTTGTTGCTTGGTTCTTTGTTTGTCTTAATTGCAGA[AG>A]AGTCCAAATAAGATTGCATCTGGCTTTTTCCTGCGATTGTTAACATCAAAGCTAATGAAT-3'